The following is an entry in ClinVar:

ClinVar aggregate classification (germline): Uncertain significance. Review status: criteria provided, multiple submitters, no conflicts (2 of 4 stars). 2 submissions from 2 submitters: Uncertain significance (2). Last evaluated 2025-10-05.

Conditions:
Malignant hyperthermia, susceptibility to, 5 (MHS5). Also called: CACNA1S-Related Malignant Hyperthermia Susceptibility. Identifiers: Orphanet 423, MedGen C1866077, MONDO:0011163, OMIM 601887.

Allele frequency attached by ClinVar (database versions not stated): gnomAD exomes below 0.00001.
gnomAD v4.1: 1 of 1,613,178 alleles (0.000062%); highest among the groups gnomAD compares: Non-Finnish European, 0.000085%; no homozygotes.

Submissions (2):

Color Diagnostics, LLC DBA Color Health
Classification: Uncertain significance for Malignant hyperthermia, susceptibility to, 5. Last evaluated: 2025-10-05. Review status: criteria provided, single submitter. Criteria: ACMG Guidelines, 2015. Collection method: clinical testing. Allele origin: germline.
Comment: This missense variant replaces cysteine with glycine at codon 1571 of the CACNA1S protein. Computational prediction suggests that this variant may not impact protein structure and function. To our knowledge, functional studies have not been reported for this variant. This variant has not been reported in individuals affected with CACNA1S-related disorders in the literature. This variant has not been identified in the general population by the Genome Aggregation Database (gnomAD). The available evidence is insufficient to determine the role of this variant in disease conclusively. Therefore, this variant is classified as a Variant of Uncertain Significance.

All of Us Research Program, National Institutes of Health
Classification: Uncertain significance for Malignant hyperthermia, susceptibility to, 5. Last evaluated: 2023-05-04. Review status: criteria provided, single submitter. Criteria: ACMG Guidelines, 2015. Collection method: clinical testing. Allele origin: germline. Inheritance: Autosomal dominant inheritance. Observed: 1 variant allele, 1 heterozygote.
Comment: This missense variant replaces cysteine with glycine at codon 1571 of the CACNA1S protein. Computational prediction suggests that this variant may not impact protein structure and function (internally defined REVEL score threshold <= 0.5, PMID: 27666373). To our knowledge, functional studies have not been reported for this variant. This variant has not been reported in individuals affected with CACNA1S-related disorders in the literature. This variant has not been identified in the general population by the Genome Aggregation Database (gnomAD). The available evidence is insufficient to determine the role of this variant in disease conclusively. Therefore, this variant is classified as a Variant of Uncertain Significance.

This study involves interpretation of variants in research participants for the purpose of population health screening. Participant phenotype was not available at the time of variant classification. Additional details can be found in publication PMID: 35346344, PMCID: PMC8962531

NM_000069.3(CACNA1S):c.4711T>G (p.Cys1571Gly)

Gene: CACNA1S (calcium voltage-gated channel subunit alpha1 S; minus strand). Cytogenetic location: 1q32.1.
Variant type: single nucleotide variant.
Coding change: c.4711T>G on transcript NM_000069.3 (MANE Select); coding-DNA position 4711, T replaced by G.
Protein change: p.Cys1571Gly; replaces cysteine 1571 with glycine.
Molecular consequence: missense variant.
Genome position (GRCh38, 1-based): chr1:201,044,414, A>C on the plus strand (T>G on the coding strand, the complement: CACNA1S is on the minus strand). VCF-style: chr1-201044414-A-C. GRCh37 (hg19) VCF-style: chr1-201013542-A-C.
Other names: short protein forms C1571G.
Identifiers: ClinVar variation 3070862 (VCV003070862.2), dbSNP rs2464416094, ClinGen allele CA344139796.